The following is an entry in ClinVar:

NM_001145860.2(POP1):c.2313G>C (p.Glu771Asp)

Gene: POP1 (POP1 ribonuclease P/MRP subunit; plus strand). Cytogenetic location: 8q22.2.
Variant type: single nucleotide variant.
Coding change: c.2313G>C on transcript NM_001145860.2 (MANE Select); coding-DNA position 2313, G replaced by C.
Protein change: p.Glu771Asp; replaces glutamic acid 771 with aspartic acid.
Molecular consequence: missense variant.
Genome position (GRCh38, 1-based): chr8:98,156,305, G>C. VCF-style: chr8-98156305-G-C. GRCh37 (hg19) VCF-style: chr8-99168533-G-C.
Other names: c.2313G>C, p.Glu771Asp (NM_001145861.2, NM_015029.3); short protein forms E771D.
Identifiers: ClinVar variation 1388220 (VCV001388220.6), dbSNP rs2130636478, ClinGen allele CA371774748.

ClinVar aggregate classification (germline): Uncertain significance (1 of 4 stars; one submission).

Submission:

Labcorp Genetics (formerly Invitae), Labcorp
Classification: Uncertain significance. Last evaluated: 2022-03-02. Review status: criteria provided, single submitter. Criteria: Invitae Variant Classification Sherloc (09022015). Collection method: clinical testing. Allele origin: germline.
Comment: Algorithms developed to predict the effect of sequence changes on RNA splicing suggest that this variant may disrupt the consensus splice site. This sequence change replaces glutamic acid, which is acidic and polar, with aspartic acid, which is acidic and polar, at codon 771 of the POP1 protein (p.Glu771Asp). This variant is not present in population databases (gnomAD no frequency). This variant has not been reported in the literature in individuals affected with POP1-related conditions. Algorithms developed to predict the effect of missense changes on protein structure and function output the following: SIFT: "Deleterious"; PolyPhen-2: "Benign"; Align-GVGD: "Class C0". The aspartic acid amino acid residue is found in multiple mammalian species, which suggests that this missense change does not adversely affect protein function. In summary, the available evidence is currently insufficient to determine the role of this variant in disease. Therefore, it has been classified as a Variant of Uncertain Significance.